The following is an entry in ClinVar:

NM_001308093.3(GATA4):c.260C>G (p.Pro87Arg)

Gene: GATA4 (GATA binding protein 4). Cytogenetic location: 8p23.1.
Variant type: single nucleotide variant.
Coding change: c.260C>G on transcript NM_001308093.3 (MANE Select); coding-DNA position 260, C replaced by G.
Protein change: p.Pro87Arg; replaces proline 87 with arginine.
Molecular consequence: missense variant. On other transcripts: intron variant (3).
Genome position (GRCh38, 1-based): chr8:11,708,572, C>G. VCF-style: chr8-11708572-C-G. GRCh37 (hg19) VCF-style: chr8-11566081-C-G.
Other names: c.260C>G, p.Pro87Arg (NM_002052.5); c.-6+7794C>G (NM_001308094.2); c.-3+558C>G (NM_001374274.1); c.-3+4268C>G (NM_001374273.1); short protein forms P87R.
Identifiers: ClinVar variation 4807248 (VCV004807248.1).

ClinVar aggregate classification (germline): Uncertain significance (1 of 4 stars; one submission).

Conditions:
Atrioventricular septal defect 4 (AVSD4). Identifiers: MedGen C3280781, MONDO:0013747, OMIM 614430.

gnomAD v4.1: 1 of 1,369,908 alleles (0.000073%); highest among the groups gnomAD compares: Non-Finnish European, 0.000094%; no homozygotes.

Submission:

Labcorp Genetics (formerly Invitae), Labcorp
Classification: Uncertain significance for Atrioventricular septal defect 4. Last evaluated: 2025-02-11. Review status: criteria provided, single submitter. Criteria: Invitae Variant Classification Sherloc (09022015). Collection method: clinical testing. Allele origin: germline.
Comment: This sequence change replaces proline, which is neutral and non-polar, with arginine, which is basic and polar, at codon 87 of the GATA4 protein (p.Pro87Arg). This variant is not present in population databases (gnomAD no frequency). This variant has not been reported in the literature in individuals affected with GATA4-related conditions. Invitae Evidence Modeling of protein sequence and biophysical properties (such as structural, functional, and spatial information, amino acid conservation, physicochemical variation, residue mobility, and thermodynamic stability) indicates that this missense variant is not expected to disrupt GATA4 protein function with a negative predictive value of 95%. In summary, the available evidence is currently insufficient to determine the role of this variant in disease. Therefore, it has been classified as a Variant of Uncertain Significance.